The following is an entry in ClinVar:

NM_018006.5(TRMU):c.1019-25_1038del

Gene: TRMU (tRNA mitochondrial 2-thiouridylase; plus strand). Cytogenetic location: 22q13.31.
Variant type: Deletion.
Coding change: c.1019-25_1038del on transcript NM_018006.5 (MANE Select); 25 bases into the intron before coding-DNA position 1019 through coding-DNA position 1038, 45 bases deleted.
Molecular consequence: splice acceptor variant. On other transcripts: intron variant (2).
Genome position (GRCh38, 1-based): chr22:46,355,965-46,356,009, 45 bases deleted. GRCh37 (hg19): chr22:46,751,862-46,751,906.
Other names: c.1018+377_1018+421del (NM_001282785.2); c.677-25_696del (NM_001282782.2); c.599-25_618del (NM_001282783.2); c.598+377_598+421del (NM_001282784.2).
Identifiers: ClinVar variation 4062378 (VCV004062378.2).

ClinVar aggregate classification (germline): Likely pathogenic (1 of 4 stars; one submission).

Conditions:
Acute infantile liver failure due to synthesis defect of mtDNA-encoded proteins. Also called: Liver failure acute infantile; LIVER FAILURE, INFANTILE, TRANSIENT; TRMU Deficiency. Identifiers: Orphanet 217371, MedGen C3278664, MONDO:0013111, OMIM 613070.

Submission:

Natera, Inc.
Classification: Likely pathogenic for Acute infantile liver failure due to synthesis defect of mtDNA-encoded proteins. Last evaluated: 2025-05-16. Review status: criteria provided, single submitter. Criteria: Natera Variant Classification Schema (03/2026). Collection method: clinical testing. Allele origin: germline.
Comment: The c.1019-25_1038del variant in TRMU is a deletion affecting a canonical splice acceptor site. This variant is expected to result in nonsense mediated decay, truncation, or a dysfunctional protein product. This variant is rare in the general population with a frequency below the threshold expected for the associated phenotype(s). Given the available evidence, this variant is classified as Likely Pathogenic.